The following is an entry in ClinVar:

NM_002292.4(LAMB2):c.824A>C (p.Tyr275Ser)

Gene: LAMB2 (laminin subunit beta 2; minus strand). Cytogenetic location: 3p21.31.
Variant type: single nucleotide variant.
Coding change: c.824A>C on transcript NM_002292.4 (MANE Select); coding-DNA position 824, A replaced by C.
Protein change: p.Tyr275Ser; replaces tyrosine 275 with serine.
Molecular consequence: missense variant.
Genome position (GRCh38, 1-based): chr3:49,131,041, T>G on the plus strand (A>C on the coding strand, the complement: LAMB2 is on the minus strand). VCF-style: chr3-49131041-T-G. GRCh37 (hg19) VCF-style: chr3-49168474-T-G.
Other names: short protein forms Y275S.
Identifiers: ClinVar variation 1494189 (VCV001494189.6), dbSNP rs2107644271, ClinGen allele CA352747263.

ClinVar aggregate classification (germline): Uncertain significance (1 of 4 stars; one submission).

Conditions:
LAMB2-related infantile-onset nephrotic syndrome. Also called: NEPHROTIC SYNDROME, TYPE 5, WITHOUT OCULAR ABNORMALITIES; NEPHROTIC SYNDROME, TYPE 5, WITH OCULAR ABNORMALITIES; Nephrotic Syndrome, type 5. Identifiers: Orphanet 306507, MedGen C3280113, MONDO:0013621, OMIM 614199.
Pierson syndrome. Also called: MICROCORIA-CONGENITAL NEPHROTIC SYNDROME. Identifiers: Orphanet 2670, MedGen C1836876, MONDO:0012184, OMIM 609049.

Submission:

Labcorp Genetics (formerly Invitae), Labcorp
Classification: Uncertain significance for LAMB2-related infantile-onset nephrotic syndrome; Pierson syndrome. Last evaluated: 2021-11-27. Review status: criteria provided, single submitter. Criteria: Invitae Variant Classification Sherloc (09022015). Collection method: clinical testing. Allele origin: germline.
Comment: In summary, the available evidence is currently insufficient to determine the role of this variant in disease. Therefore, it has been classified as a Variant of Uncertain Significance. Algorithms developed to predict the effect of missense changes on protein structure and function are either unavailable or do not agree on the potential impact of this missense change (SIFT: "Tolerated"; PolyPhen-2: "Probably Damaging"; Align-GVGD: "Class C0"). This variant has not been reported in the literature in individuals affected with LAMB2-related conditions. This variant is not present in population databases (gnomAD no frequency). This sequence change replaces tyrosine, which is neutral and polar, with serine, which is neutral and polar, at codon 275 of the LAMB2 protein (p.Tyr275Ser).